The following is an entry in ClinVar:

NM_015021.3(ZNF292):c.7852G>A (p.Gly2618Arg)

Gene: ZNF292 (zinc finger protein 292; plus strand). Cytogenetic location: 6q14.3.
Variant type: single nucleotide variant.
Coding change: c.7852G>A on transcript NM_015021.3 (MANE Select); coding-DNA position 7852, G replaced by A.
Protein change: p.Gly2618Arg; replaces glycine 2618 with arginine.
Molecular consequence: missense variant.
Genome position (GRCh38, 1-based): chr6:87,261,481, G>A. VCF-style: chr6-87261481-G-A. GRCh37 (hg19) VCF-style: chr6-87971199-G-A.
Other names: c.7432G>A, p.Gly2478Arg (NM_001351444.2); c.7852G>A (NM_015021.1); short protein forms G2478R, G2618R.
Identifiers: ClinVar variation 3910553 (VCV003910553.10).

ClinVar aggregate classification (germline): Likely benign. Review status: criteria provided, multiple submitters, no conflicts (2 of 4 stars). 3 submissions from 3 submitters: Likely benign (3). Last evaluated 2026-01-01.

Conditions:
Inborn genetic diseases. Identifiers: MedGen C0950123, MeSH D030342.

Submissions (3):

CeGaT Center for Human Genetics Tuebingen
Classification: Likely benign. Last evaluated: 2026-01-01. Review status: criteria provided, single submitter. Criteria: CeGaT Center For Human Genetics Tuebingen Variant Classification Criteria Version 2. Collection method: clinical testing. Allele origin: germline. Affected: yes. Observed: 2 variant alleles.
Comment: ZNF292: BP4

Ambry Genetics
Classification: Likely benign for Inborn genetic diseases. Last evaluated: 2025-06-18. Review status: criteria provided, single submitter. Criteria: Ambry Variant Classification Scheme 2023. Collection method: clinical testing. Allele origin: germline.

Laboratory of Genetics, Children's Clinical University Hospital Latvia
Classification: Likely benign. Last evaluated: 2025-02-16. Review status: criteria provided, single submitter. Criteria: ACMG Guidelines, 2015. Collection method: clinical testing. Allele origin: germline. Affected: yes.